The following is an entry in ClinVar:

NM_001282534.2(KCNK9):c.459C>T (p.Asp153=)

Gene: KCNK9 (potassium two pore domain channel subfamily K member 9; minus strand). Cytogenetic location: 8q24.3.
Variant type: single nucleotide variant.
Coding change: c.459C>T on transcript NM_001282534.2 (MANE Select); coding-DNA position 459, C replaced by T.
Protein change: p.Asp153=; no amino-acid change (aspartic acid 153 retained).
Molecular consequence: synonymous variant. On other transcripts: non-coding transcript variant (1).
Genome position (GRCh38, 1-based): chr8:139,618,924, G>A on the plus strand (C>T on the coding strand, the complement: KCNK9 is on the minus strand). VCF-style: chr8-139618924-G-A. GRCh37 (hg19) VCF-style: chr8-140631167-G-A.
Other names: c.459C>T, p.Asp153= (NM_016601.2).
Identifiers: ClinVar variation 3043621 (VCV003043621.2), dbSNP rs776045672, ClinGen allele CA4892606.

ClinVar aggregate classification (germline): Likely benign (0 of 4 stars; one submission).

Conditions:
KCNK9-related disorder. Also called: KCNK9-related condition.

Allele frequency attached by ClinVar (database versions not stated): ExAC 0.00002; gnomAD 0.00009.
gnomAD v4.1: 24 of 1,614,122 alleles (0.0015%); highest among the groups gnomAD compares: African/African-American, 0.02%; no homozygotes.

Submission:

PreventionGenetics, part of Exact Sciences
Classification: Likely benign for KCNK9-related condition. Last evaluated: 2019-03-26. Review status: no assertion criteria provided. Collection method: clinical testing. Allele origin: germline.
Comment: This variant is classified as likely benign based on ACMG/AMP sequence variant interpretation guidelines (Richards et al. 2015 PMID: 25741868, with internal and published modifications).